The following is an entry in ClinVar:

ClinVar aggregate classification (germline): Likely benign. Review status: criteria provided, multiple submitters, no conflicts (2 of 4 stars). 3 submissions from 3 submitters: Likely benign (3). Last evaluated 2023-09-27.

Conditions:
Hereditary cancer-predisposing syndrome. Also called: Neoplastic Syndromes, Hereditary; Hereditary neoplastic syndrome; Tumor predisposition; Hereditary Cancer Syndrome. Identifiers: Orphanet 140162, MedGen C0027672, MeSH D009386, MONDO:0015356.
Gorlin syndrome. Also called: Nevoid Basal Cell Carcinoma Syndrome; Basal cell nevus syndrome. Identifiers: Orphanet 377, MedGen C0004779, MONDO:0007187.

Allele frequency attached by ClinVar (database versions not stated): gnomAD exomes below 0.00001.
gnomAD v4.1: 2 of 1,297,128 alleles (0.00015%); highest among the groups gnomAD compares: Non-Finnish European, 0.0002%; no homozygotes.

Submissions (3):

Ambry Genetics
Classification: Likely benign for Hereditary cancer-predisposing syndrome. Last evaluated: 2023-09-27. Review status: criteria provided, single submitter. Criteria: Ambry Variant Classification Scheme 2023. Collection method: clinical testing. Allele origin: germline.

Labcorp Genetics (formerly Invitae), Labcorp
Classification: Likely benign for Gorlin syndrome. Last evaluated: 2022-12-19. Review status: criteria provided, single submitter. Criteria: Invitae Variant Classification Sherloc (09022015). Collection method: clinical testing. Allele origin: germline.

GeneDx
Classification: Likely benign. Last evaluated: 2016-08-10. Review status: criteria provided, single submitter. Criteria: GeneDx Variant Classification (06012015). Collection method: clinical testing. Allele origin: germline. Affected: yes.
Comment: This variant is considered likely benign or benign based on one or more of the following criteria: it is a conservative change, it occurs at a poorly conserved position in the protein, it is predicted to be benign by multiple in silico algorithms, and/or has population frequency not consistent with disease.

NM_000264.5(PTCH1):c.36C>T (p.Asp12=)

Genes: PTCH1 (patched 1; minus strand), LOC130002133 (ATAC-STARR-seq lymphoblastoid silent region 20071; plus strand). Cytogenetic location: 9q22.32.
Variant type: single nucleotide variant.
Coding change: c.36C>T on transcript NM_000264.5 (MANE Select); coding-DNA position 36, C replaced by T.
Protein change: p.Asp12=; no amino-acid change (aspartic acid 12 retained).
Molecular consequence: synonymous variant. On other transcripts: non-coding transcript variant (1), intron variant (3).
Genome position (GRCh38, 1-based): chr9:95,508,326, G>A on the plus strand (C>T on the coding strand, the complement: PTCH1 is on the minus strand). VCF-style: chr9-95508326-G-A. GRCh37 (hg19) VCF-style: chr9-98270608-G-A.
Other names: c.36C>T, p.Asp12= (NM_001354918.2); c.199-1727C>T (NM_001083603.3); c.4-1727C>T (NM_001083602.3, NM_001354919.2).
Identifiers: ClinVar variation 386560 (VCV000386560.10), dbSNP rs1057522533, ClinGen allele CA16605781.